The following is an entry in ClinVar:

ClinVar aggregate classification (germline): Likely benign (1 of 4 stars; one submission).

Allele frequency attached by ClinVar (database versions not stated): gnomAD 0.25081.

Submission:

GeneDx
Classification: Likely benign. Last evaluated: 2020-05-25. Review status: criteria provided, single submitter. Criteria: GeneDx Variant Classification Process June 2021. Collection method: clinical testing. Allele origin: germline. Affected: yes.
Comment: See Variant Classification Assertion Criteria.

NM_002449.5(MSX2):c.380-189del

Gene: MSX2 (msh homeobox 2; plus strand). Cytogenetic location: 5q35.2.
Variant type: Deletion.
Coding change: c.380-189del on transcript NM_002449.5 (MANE Select); 189 bases into the intron before coding-DNA position 380, one base deleted (T; older notation c.380-189delT).
Molecular consequence: intron variant.
Genome position (GRCh38, 1-based): chr5:174,728,970, T deleted. VCF-style (leftmost placement, unchanged base first): chr5-174728969-GT-G. GRCh37 (hg19) VCF-style: chr5-174155972-GT-G.
Other names: c.*4-189del (NM_001363626.2).
Identifiers: ClinVar variation 2501322 (VCV002501322.1), dbSNP rs1454648006, ClinGen allele CA564857289.